The following is an entry in ClinVar:

ClinVar aggregate classification (germline): Pathogenic (1 of 4 stars; one submission).

Conditions:
Primary ciliary dyskinesia 3. Identifiers: Orphanet 244, MedGen C1837618, MONDO:0012085, OMIM 608644.

Submission:

Myriad Genetics, Inc.
Classification: Pathogenic for Primary ciliary dyskinesia 3. Last evaluated: 2023-09-08. Review status: criteria provided, single submitter. Criteria: Myriad Autosomal Dominant, Autosomal Recessive and X-Linked Classification Criteria (2023). Collection method: clinical testing. Allele origin: unknown.
Comment: NM_001369.2(DNAH5):c.2567_2568ins7(M857Rfs*18) is expected to be pathogenic in the context of primary ciliary dyskinesia, DNAH5-related. This variant is predicted to lead to an abnormal or absent protein product due to the creation of a premature termination codon in DNAH5, a gene where loss-of-function variants are known to be pathogenic. Please note: this variant was assessed in the context of healthy population screening.

NM_001369.3(DNAH5):c.2567_2568insGAGACAG (p.Met857fs)

Genes: DNAH5 (dynein axonemal heavy chain 5; minus strand), DNAH5-AS1 (DNAH5 antisense RNA 1; plus strand). Cytogenetic location: 5p15.2.
Variant type: Insertion.
Coding change: c.2567_2568insGAGACAG on transcript NM_001369.3 (MANE Select); coding-DNA positions 2567 to 2568, GAGACAG inserted.
Protein change: p.Met857fs; shifts the reading frame from methionine 857.
Molecular consequence: frameshift variant.
Genome position: GRCh38 VCF-style: chr5-13890985-T-TCTGTCTC. GRCh37 (hg19) VCF-style: chr5-13891094-T-TCTGTCTC.
Other names: short protein forms M857fs.
Identifiers: ClinVar variation 5011597 (VCV005011597.1).